The following is an entry in ClinVar:

NM_001283009.2(RTEL1):c.1144G>C (p.Val382Leu)

Genes: RTEL1 (regulator of telomere elongation helicase 1; plus strand), RTEL1-TNFRSF6B (RTEL1-TNFRSF6B readthrough (NMD candidate); plus strand). Cytogenetic location: 20q13.33.
Variant type: single nucleotide variant.
Coding change: c.1144G>C on transcript NM_001283009.2 (MANE Select); coding-DNA position 1144, G replaced by C.
Protein change: p.Val382Leu; replaces valine 382 with leucine.
Molecular consequence: missense variant. On other transcripts: non-coding transcript variant (1).
Genome position (GRCh38, 1-based): chr20:63,680,672, G>C. VCF-style: chr20-63680672-G-C. GRCh37 (hg19) VCF-style: chr20-62312025-G-C.
Other names: c.475G>C, p.Val159Leu (NM_001283010.1); c.1144G>C, p.Val382Leu (NM_016434.4); c.1216G>C, p.Val406Leu (NM_032957.5); short protein forms V159L, V382L, V406L.
Identifiers: ClinVar variation 2937352 (VCV002937352.3), dbSNP rs2517072546, ClinGen allele CA409674502.

ClinVar aggregate classification (germline): Uncertain significance (1 of 4 stars; one submission).

Conditions:
Dyskeratosis congenita, autosomal recessive 5 (DKCB5). Identifiers: MedGen C3554656, MONDO:0014076, OMIM 615190.
Pulmonary fibrosis and/or bone marrow failure, Telomere-related, 3. Also called: PULMONARY FIBROSIS AND/OR BONE MARROW FAILURE SYNDROME, TELOMERE-RELATED, 3. Identifiers: Orphanet 2032, MedGen C4225346, MONDO:0014613, OMIM 616373.

Submission:

Labcorp Genetics (formerly Invitae), Labcorp
Classification: Uncertain significance for Dyskeratosis congenita, autosomal recessive 5; Pulmonary fibrosis and/or bone marrow failure, Telomere-related, 3. Last evaluated: 2022-12-31. Review status: criteria provided, single submitter. Criteria: Invitae Variant Classification Sherloc (09022015). Collection method: clinical testing. Allele origin: germline.
Comment: Algorithms developed to predict the effect of missense changes on protein structure and function output the following: SIFT: "Tolerated"; PolyPhen-2: "Benign"; Align-GVGD: "Class C0". The leucine amino acid residue is found in multiple mammalian species, which suggests that this missense change does not adversely affect protein function. This variant has not been reported in the literature in individuals affected with RTEL1-related conditions. This variant is not present in population databases (gnomAD no frequency). This sequence change replaces valine, which is neutral and non-polar, with leucine, which is neutral and non-polar, at codon 382 of the RTEL1 protein (p.Val382Leu). In summary, the available evidence is currently insufficient to determine the role of this variant in disease. Therefore, it has been classified as a Variant of Uncertain Significance.